The following is an entry in ClinVar:

ClinVar aggregate classification (germline): Likely benign. Review status: criteria provided, single submitter (1 of 4 stars). 2 submissions from 2 submitters: Likely benign (1). 1 of the submissions does not count toward it. Last evaluated 2024-10-16.

Conditions:
WDPCP-related disorder. Also called: WDPCP-related condition.
Bardet-Biedl syndrome (BBS). Identifiers: Orphanet 110, MedGen C0752166, MONDO:0015229.

Submissions (2):

Labcorp Genetics (formerly Invitae), Labcorp
Classification: Likely benign for Bardet-Biedl syndrome. Last evaluated: 2024-10-16. Review status: criteria provided, single submitter. Criteria: Invitae Variant Classification Sherloc (09022015). Collection method: clinical testing. Allele origin: germline.

PreventionGenetics, part of Exact Sciences
Classification: Likely benign for WDPCP-related condition. Last evaluated: 2021-06-07. Review status: no assertion criteria provided. Collection method: clinical testing. Allele origin: germline. Not counted in ClinVar's aggregate classification.
Comment: This variant is classified as likely benign based on ACMG/AMP sequence variant interpretation guidelines (Richards et al. 2015 PMID: 25741868, with internal and published modifications).

NM_015910.7(WDPCP):c.1137G>A (p.Leu379=)

Gene: WDPCP (WD repeat containing planar cell polarity effector; minus strand). Cytogenetic location: 2p15.
Variant type: single nucleotide variant.
Coding change: c.1137G>A on transcript NM_015910.7 (MANE Select); coding-DNA position 1137, G replaced by A.
Protein change: p.Leu379=; no amino-acid change (leucine 379 retained).
Molecular consequence: synonymous variant. On other transcripts: non-coding transcript variant (3).
Genome position (GRCh38, 1-based): chr2:63,404,346, C>T on the plus strand (G>A on the coding strand, the complement: WDPCP is on the minus strand). VCF-style: chr2-63404346-C-T. GRCh37 (hg19) VCF-style: chr2-63631481-C-T.
Other names: c.660G>A, p.Leu220= (NM_001042692.3); c.1065G>A, p.Leu355= (NM_001354044.2); c.1137G>A, p.Leu379= (NM_001354045.2).
Identifiers: ClinVar variation 3351603 (VCV003351603.3).